The following is an entry in ClinVar:

NM_002693.3(POLG):c.2387A>G (p.Lys796Arg)

Gene: POLG (DNA polymerase gamma, catalytic subunit; minus strand). Cytogenetic location: 15q26.1.
Variant type: single nucleotide variant.
Coding change: c.2387A>G on transcript NM_002693.3 (MANE Select); coding-DNA position 2387, A replaced by G.
Protein change: p.Lys796Arg; replaces lysine 796 with arginine.
Molecular consequence: missense variant.
Genome position (GRCh38, 1-based): chr15:89,322,781, T>C on the plus strand (A>G on the coding strand, the complement: POLG is on the minus strand). VCF-style: chr15-89322781-T-C. GRCh37 (hg19) VCF-style: chr15-89866012-T-C.
Other names: c.2387A>G, p.Lys796Arg (NM_001126131.2); short protein forms K796R.
Identifiers: ClinVar variation 1400945 (VCV001400945.10), dbSNP rs2055414967, ClinGen allele CA393756334.

ClinVar aggregate classification (germline): Uncertain significance. Review status: criteria provided, multiple submitters, no conflicts (2 of 4 stars). 2 submissions from 2 submitters: Uncertain significance (2). Last evaluated 2025-12-09.

Conditions:
Progressive sclerosing poliodystrophy (MTDPS4A). Also called: Mitochondrial DNA depletion syndrome 4A (Alpers type); ALPERS PROGRESSIVE INFANTILE POLIODYSTROPHY; NEURONAL DEGENERATION OF CHILDHOOD WITH LIVER DISEASE, PROGRESSIVE; Mitochondrial DNA Depletion Syndrome 4A; Alpers-Huttenlocher Syndrome (AHS); Alpers Syndrome. Identifiers: Orphanet 726, MedGen C0205710, MONDO:0008758, OMIM 203700.

Allele frequency attached by ClinVar (database versions not stated): TOPMed below 0.00001; gnomAD exomes below 0.00001.
gnomAD v4.1: 2 of 1,614,168 alleles (0.00012%); highest among the groups gnomAD compares: Non-Finnish European, 0.00017%; no homozygotes.

Submissions (2):

Women's Health and Genetics/Laboratory Corporation of America, LabCorp
Classification: Uncertain significance. Last evaluated: 2025-12-09. Review status: criteria provided, single submitter. Criteria: LabCorp Variant Classification Summary - May 2015. Collection method: clinical testing. Allele origin: germline.
Comment: Variant summary: POLG c.2387A>G (p.Lys796Arg) results in a conservative amino acid change in the encoded protein sequence. Algorithms developed to predict the effect of missense changes on protein structure and function are either unavailable or do not agree on the potential impact of this missense change. The variant was absent in 251408 control chromosomes. The available data on variant occurrences in the general population are insufficient to allow any conclusion about variant significance. To our knowledge, no occurrence of c.2387A>G in individuals affected with POLG-related conditions and no experimental evidence demonstrating its impact on protein function have been reported. ClinVar contains an entry for this variant (Variation ID: 1400945). Based on the evidence outlined above, the variant was classified as uncertain significance.

Labcorp Genetics (formerly Invitae), Labcorp
Classification: Uncertain significance for Progressive sclerosing poliodystrophy. Last evaluated: 2025-07-22. Review status: criteria provided, single submitter. Criteria: Invitae Variant Classification Sherloc (09022015). Collection method: clinical testing. Allele origin: germline.
Comment: This sequence change replaces lysine, which is basic and polar, with arginine, which is basic and polar, at codon 796 of the POLG protein (p.Lys796Arg). This variant is not present in population databases (gnomAD no frequency). This variant has not been reported in the literature in individuals affected with POLG-related conditions. ClinVar contains an entry for this variant (Variation ID: 1400945). Invitae Evidence Modeling of protein sequence and biophysical properties (such as structural, functional, and spatial information, amino acid conservation, physicochemical variation, residue mobility, and thermodynamic stability) has been performed for this missense variant. However, the output from this modeling did not meet the statistical confidence thresholds required to predict the impact of this variant on POLG protein function. In summary, the available evidence is currently insufficient to determine the role of this variant in disease. Therefore, it has been classified as a Variant of Uncertain Significance.